The following is an entry in ClinVar:

NM_000038.6(APC):c.2395dup (p.Tyr799fs)

Gene: APC (APC regulator of Wnt signaling pathway; plus strand). Cytogenetic location: 5q22.2.
Variant type: Duplication.
Coding change: c.2395dup on transcript NM_000038.6 (MANE Select); coding-DNA position 2395, one base duplicated (T; older notation c.2395dupT).
Protein change: p.Tyr799fs; shifts the reading frame from tyrosine 799.
Molecular consequence: frameshift variant.
Genome position (GRCh38, 1-based): chr5:112,837,989, T duplicated; the last of 2 consecutive T bases (chr5:112,837,988-112,837,989); duplicating either gives the same sequence. VCF-style (leftmost placement, unchanged base first): chr5-112837987-A-AT. GRCh37 (hg19) VCF-style: chr5-112173684-A-AT.
Other names: c.2395dup, p.Tyr799fs (NM_001127510.3, NM_001354895.2); c.2341dup, p.Tyr781fs (NM_001127511.3); c.2449dup, p.Tyr817fs (NM_001354896.2); c.2425dup, p.Tyr809fs (NM_001354897.2); c.2320dup, p.Tyr774fs (NM_001354898.2); c.2311dup, p.Tyr771fs (NM_001354899.2); c.2272dup, p.Tyr758fs (NM_001354900.2); c.2218dup, p.Tyr740fs (NM_001354901.2); and 6 more; short protein forms Y516fs, Y698fs, Y758fs, Y774fs, Y673fs, Y799fs, Y809fs, Y740fs.
Identifiers: ClinVar variation 280611 (VCV000280611.14), dbSNP rs879254110, ClinGen allele CA10602947.

ClinVar aggregate classification (germline): Pathogenic. Review status: criteria provided, multiple submitters, no conflicts (2 of 4 stars). 3 submissions from 3 submitters: Pathogenic (2). 1 of the submissions does not count toward it. Last evaluated 2019-04-24.

Conditions:
Familial adenomatous polyposis 1 (FAP1). Also called: FAMILIAL ADENOMATOUS POLYPOSIS 1, ATTENUATED; POLYPOSIS, ADENOMATOUS INTESTINAL. Identifiers: MedGen C2713442, MONDO:0021056, OMIM 175100. Disease mechanism: loss of function.

Submissions (3):

Labcorp Genetics (formerly Invitae), Labcorp
Classification: Pathogenic for Familial adenomatous polyposis 1. Last evaluated: 2019-04-24. Review status: criteria provided, single submitter. Criteria: Invitae Variant Classification Sherloc (09022015). Collection method: clinical testing. Allele origin: germline.
Comment: This sequence change results in a premature translational stop signal in the APC gene (p.Tyr799Leufs*4). While this is not anticipated to result in nonsense mediated decay, it is expected to disrupt the last 2045 amino acids of the APC protein. This variant is not present in population databases (ExAC no frequency). This variant has not been reported in the literature in individuals with APC-related conditions. ClinVar contains an entry for this variant (Variation ID: 280611). For these reasons, this variant has been classified as Pathogenic. This variant is expected to disrupt the EB1 and HDLG binding sites, which mediate interactions with the cytoskeleton (PMID: 15311282, 17293347). While functional studies have not been performed to directly test the effect on APC protein function, this suggests that disruption of the C-terminal portion of the protein is functionally important. A different truncation (p.Tyr2645Lysfs*14) that lies downstream of this variant has been determined to be pathogenic (PMID: 9824584, 1316610, 27081525, 8381579, 22135120, Invitae). This suggests that deletion of this region of the APC protein is causative of disease.

GeneDx
Classification: Pathogenic. Last evaluated: 2016-05-13. Review status: criteria provided, single submitter. Criteria: GeneDx Variant Classification (06012015). Collection method: clinical testing. Allele origin: germline. Affected: yes.
Comment: The c.2395dupT pathogenic variant in the APC gene causes a frameshift starting with codon Tyrosine 799, changes this amino acid to a Leucine residue and creates a premature Stop codon at position 4 of the new reading frame, denoted p.Tyr799LeufsX4. This pathogenic variant is predicted to cause loss of normal protein function through protein truncation. The variant was not observed in approximately 6,500 individuals of European and African American ancestry in the NHLBI Exome Sequencing Project, indicating it is not a common benign variant in these populations. Additionally, another pathogenic frameshift variant occurring at the same position (c.2395delT) has been observed at GeneDx. Although the c.2395dupT variant has not been previously reported to our knowledge, we consider it to be pathogenic.

Department of Pathology and Laboratory Medicine, Sinai Health System
Classification: Uncertain significance. Review status: no assertion criteria provided. Collection method: clinical testing. Allele origin: unknown. Affected: yes. Observed: 1 variant allele. Study: The Canadian Open Genetics Repository (COGR). Not counted in ClinVar's aggregate classification.

Literature cited by the submitters: PubMed 15311282 (cited by Labcorp Genetics (formerly Invitae), Labcorp); PubMed 17293347 (cited by Labcorp Genetics (formerly Invitae), Labcorp); PubMed 9824584 (cited by Labcorp Genetics (formerly Invitae), Labcorp); PubMed 1316610 (cited by Labcorp Genetics (formerly Invitae), Labcorp); PubMed 27081525 (cited by Labcorp Genetics (formerly Invitae), Labcorp); PubMed 8381579 (cited by Labcorp Genetics (formerly Invitae), Labcorp); PubMed 22135120 (cited by Labcorp Genetics (formerly Invitae), Labcorp).